The following is an entry in ClinVar:

ClinVar aggregate classification (germline): Pathogenic. Review status: criteria provided, multiple submitters, no conflicts (2 of 4 stars). 3 submissions from 3 submitters: Pathogenic (3). Last evaluated 2026-06-17.

Conditions:
Tumor predisposition syndrome 2 (TPDS2). Also called: MBD4-ASSOCIATED NEOPLASIA SYNDROME; MBD4-Related Tumor Predisposition Syndrome; MBD4-associated neoplasia syndrome (MANS). Identifiers: Orphanet 661526, MedGen C5774186, MONDO:0859267, OMIM 619975.
Inborn genetic diseases. Identifiers: MedGen C0950123, MeSH D030342.

Submissions (3):

Myriad Genetics, Inc.
Classification: Pathogenic for Tumor predisposition syndrome 2. Last evaluated: 2026-06-17. Review status: criteria provided, single submitter. Criteria: Myriad Autosomal Dominant, Autosomal Recessive and X-Linked Classification Criteria (2023). Collection method: clinical testing. Allele origin: unknown.
Comment: This variant is considered pathogenic. This variant creates a frameshift predicted to result in premature protein truncation.

Labcorp Genetics (formerly Invitae), Labcorp
Classification: Pathogenic. Last evaluated: 2025-12-29. Review status: criteria provided, single submitter. Criteria: Invitae Variant Classification Sherloc (09022015). Collection method: clinical testing. Allele origin: germline.
Comment: This sequence change creates a premature translational stop signal (p.Thr77Tyrfs*8) in the MBD4 gene. It is expected to result in an absent or disrupted protein product. Loss-of-function variants in MBD4 are known to be pathogenic (PMID: 30049810, 35460607). This variant is present in population databases (no rsID available, gnomAD 0.0009%). This variant has not been reported in the literature in individuals affected with MBD4-related conditions. ClinVar contains an entry for this variant (Variation ID: 3680981). For these reasons, this variant has been classified as Pathogenic.

Ambry Genetics
Classification: Pathogenic for Inborn genetic diseases. Last evaluated: 2025-03-31. Review status: criteria provided, single submitter. Criteria: Ambry Variant Classification Scheme 2023. Collection method: clinical testing. Allele origin: germline.
Comment: The c.227dupC pathogenic mutation, located in coding exon 2 of the MBD4 gene, results from a duplication of C at nucleotide position 227, causing a translational frameshift with a predicted alternate stop codon (p.T77Yfs*8). This variant is considered to be rare based on population cohorts in the Genome Aggregation Database (gnomAD). This alteration is expected to result in loss of function by premature protein truncation or nonsense-mediated mRNA decay. As such, this alteration is interpreted as a disease-causing mutation.

Literature cited by the submitters: PubMed 30049810 (cited by Labcorp Genetics (formerly Invitae), Labcorp); PubMed 35460607 (cited by Labcorp Genetics (formerly Invitae), Labcorp).

NM_001276270.2(MBD4):c.227dup (p.Thr77fs)

Gene: MBD4 (methyl-CpG binding domain 4, DNA glycosylase; minus strand). Cytogenetic location: 3q21.3.
Variant type: Duplication.
Coding change: c.227dup on transcript NM_001276270.2 (MANE Select); coding-DNA position 227, one base duplicated (C; older notation c.227dupC).
Protein change: p.Thr77fs; shifts the reading frame from threonine 77.
Molecular consequence: frameshift variant.
Genome position (GRCh38, 1-based): chr3:129,437,828, G duplicated on the plus strand (C on the coding strand, the reverse complement: MBD4 is on the minus strand). VCF-style (leftmost placement, unchanged base first): chr3-129437827-A-AG. GRCh37 (hg19) VCF-style: chr3-129156670-A-AG.
Other names: c.227dup, p.Thr77fs (NM_001276271.2, NM_001276272.2, NM_001276273.2 and 1 more transcripts); c.227dupC (NM_001276270.2); short protein forms T77fs.
Identifiers: ClinVar variation 3680981 (VCV003680981.4).
Genomic context (GRCh38, chr3:129,437,827, plus strand): 5'-TTGCTTCACAACTCTTTCCCATCCACATGGGACAGACTTACGGCATTCTGTTCCTGCAGT[A>AG]GCACCAAACTGAGCAGAAGCGATGGGTTCTTGTAGCAAGGGATTACATTCACTGCTTCTT-3'